The following is an entry in ClinVar:

ClinVar aggregate classification (germline): Uncertain significance (1 of 4 stars; one submission).

Allele frequency attached by ClinVar (database versions not stated): gnomAD exomes below 0.00001.
gnomAD v4.1: 4 of 1,614,172 alleles (0.00025%); highest among the groups gnomAD compares: East Asian, 0.0022%; no homozygotes.

Submission:

GeneDx
Classification: Uncertain significance. Last evaluated: 2020-11-30. Review status: criteria provided, single submitter. Criteria: GeneDx Variant Classification Process June 2021. Collection method: clinical testing. Allele origin: germline. Affected: yes.
Comment: Not observed in large population cohorts (Lek et al., 2016); In silico analysis supports that this missense variant has a deleterious effect on protein structure/function; Has not been previously published as pathogenic or benign to our knowledge

NM_001252102.2(KIF21B):c.1309C>T (p.Arg437Trp)

Gene: KIF21B (kinesin family member 21B; minus strand). Cytogenetic location: 1q32.1.
Variant type: single nucleotide variant.
Coding change: c.1309C>T on transcript NM_001252102.2 (MANE Select); coding-DNA position 1309, C replaced by T.
Protein change: p.Arg437Trp; replaces arginine 437 with tryptophan.
Molecular consequence: missense variant.
Genome position (GRCh38, 1-based): chr1:201,002,254, G>A on the plus strand (C>T on the coding strand, the complement: KIF21B is on the minus strand). VCF-style: chr1-201002254-G-A. GRCh37 (hg19) VCF-style: chr1-200971382-G-A.
Other names: c.1309C>T, p.Arg437Trp (NM_001252100.2, NM_001252103.2, NM_017596.4); short protein forms R437W.
Identifiers: ClinVar variation 1313672 (VCV001313672.2), dbSNP rs937853917, ClinGen allele CA35966834.